The following is an entry in ClinVar:

NM_001042646.3(TRAK1):c.212A>G (p.His71Arg)

Gene: TRAK1 (trafficking kinesin protein 1; plus strand). Cytogenetic location: 3p22.1.
Variant type: single nucleotide variant.
Coding change: c.212A>G on transcript NM_001042646.3 (MANE Select); coding-DNA position 212, A replaced by G.
Protein change: p.His71Arg; replaces histidine 71 with arginine.
Molecular consequence: missense variant. On other transcripts: 5 prime UTR variant (1), non-coding transcript variant (1).
Genome position (GRCh38, 1-based): chr3:42,125,540, A>G. VCF-style: chr3-42125540-A-G. GRCh37 (hg19) VCF-style: chr3-42167032-A-G.
Other names: c.212A>G (NM_001042646.1, NM_001042646.2); c.212A>G, p.His71Arg (NM_001265608.2, NM_001349246.2, NM_001349247.2); c.-101A>G (NM_001349245.1); short protein forms H71R.
Identifiers: ClinVar variation 1381096 (VCV001381096.6), dbSNP rs201136046, ClinGen allele CA2332949.

ClinVar aggregate classification (germline): Uncertain significance. Review status: criteria provided, multiple submitters, no conflicts (2 of 4 stars). 3 submissions from 3 submitters: Uncertain significance (3). Last evaluated 2026-01-11.

Conditions:
Developmental and epileptic encephalopathy, 68. Also called: EPILEPTIC ENCEPHALOPATHY, EARLY INFANTILE, 68. Identifiers: MedGen C4748688, MONDO:0032598, OMIM 618201.
Inborn genetic diseases. Identifiers: MedGen C0950123, MeSH D030342.

Allele frequency attached by ClinVar (database versions not stated): ExAC 0.00005; gnomAD exomes 0.00005 and 0.00006; gnomAD 0.00007; ESP Exome Variant Server 0.00008; TOPMed 0.00012; 1000 Genomes Project 0.00020; 1000 Genomes Project 30x 0.00031.
gnomAD v4.1: 93 of 1,614,214 alleles (0.0058%); highest among the groups gnomAD compares: Admixed American, 0.037%; no homozygotes.

Submissions (3):

Labcorp Genetics (formerly Invitae), Labcorp
Classification: Uncertain significance. Last evaluated: 2026-01-11. Review status: criteria provided, single submitter. Criteria: Invitae Variant Classification Sherloc (09022015). Collection method: clinical testing. Allele origin: germline.
Comment: This sequence change replaces histidine, which is basic and polar, with arginine, which is basic and polar, at codon 71 of the TRAK1 protein (p.His71Arg). This variant is present in population databases (rs201136046, gnomAD 0.02%). This variant has not been reported in the literature in individuals affected with TRAK1-related conditions. ClinVar contains an entry for this variant (Variation ID: 1381096). An algorithm developed to predict the effect of missense changes on protein structure and function (PolyPhen-2) suggests that this variant is likely to be tolerated. In summary, the available evidence is currently insufficient to determine the role of this variant in disease. Therefore, it has been classified as a Variant of Uncertain Significance.

Ambry Genetics
Classification: Uncertain significance for Inborn genetic diseases. Last evaluated: 2025-02-27. Review status: criteria provided, single submitter. Criteria: Ambry Variant Classification Scheme 2023. Collection method: clinical testing. Allele origin: germline.

Baylor Genetics
Classification: Uncertain significance for Developmental and epileptic encephalopathy, 68. Last evaluated: 2021-01-06. Review status: criteria provided, single submitter. Criteria: ACMG Guidelines, 2015. Collection method: clinical testing. Allele origin: unknown.